The following is an entry in ClinVar:

NM_058246.4(DNAJB6):c.*787G>T

Gene: DNAJB6 (DnaJ heat shock protein family (Hsp40) member B6; plus strand). Cytogenetic location: 7q36.3.
Variant type: single nucleotide variant.
Coding change: c.*787G>T on transcript NM_058246.4 (MANE Select); 787 bases downstream of the stop codon, G replaced by T.
Molecular consequence: 3 prime UTR variant.
Genome position (GRCh38, 1-based): chr7:157,416,885, G>T. VCF-style: chr7-157416885-G-T. GRCh37 (hg19) VCF-style: chr7-157209579-G-T.
Other names: c.*787G>T (NM_001363676.1).
Identifiers: ClinVar variation 359477 (VCV000359477.6), dbSNP rs184330731, ClinGen allele CA10625619.

ClinVar aggregate classification (germline): Benign (1 of 4 stars; one submission).

Conditions:
Autosomal dominant limb-girdle muscular dystrophy type 1D (DNAJB6) (LGMDD1). Also called: MUSCULAR DYSTROPHY, LIMB-GIRDLE, TYPE 1D; MUSCULAR DYSTROPHY, AUTOSOMAL DOMINANT, WITH RIMMED VACUOLES; Autosomal dominant limb-girdle muscular dystrophy type 1D; Muscular dystrophy, limb-girdle, autosomal dominant 1. Identifiers: Orphanet 34516, MedGen C4721885, MONDO:0021018, OMIM 603511.

Allele frequency attached by ClinVar (database versions not stated): TOPMed 0.00062; gnomAD 0.00066 and 0.00143; 1000 Genomes Project 0.00439; 1000 Genomes Project 30x 0.00484.

Submission:

Illumina Laboratory Services, Illumina
Classification: Benign for Autosomal dominant limb-girdle muscular dystrophy type 1D (DNAJB6). Last evaluated: 2018-01-12. Review status: criteria provided, single submitter. Criteria: ICSL Variant Classification Criteria 13 December 2019. Collection method: clinical testing. Allele origin: germline.
Comment: This variant was observed in the ICSL laboratory as part of a predisposition screen in an ostensibly healthy population. It had not been previously curated by ICSL or reported in the Human Gene Mutation Database (HGMD: prior to June 1st, 2018), and was therefore a candidate for classification through an automated scoring system. Utilizing variant allele frequency, disease prevalence and penetrance estimates, and inheritance mode, an automated score was calculated to assess if this variant is too frequent to cause the disease. Based on the score and internal cut-off values, a variant classified as benign is not then subjected to further curation. The score for this variant resulted in a classification of benign for this disease.